The following is an entry in ClinVar:

ClinVar aggregate classification (germline): Uncertain significance. Review status: criteria provided, multiple submitters, no conflicts (2 of 4 stars). 2 submissions from 2 submitters: Uncertain significance (2). Last evaluated 2024-04-12.

Conditions:
Alstrom syndrome (ALMS). Identifiers: Orphanet 64, MedGen C0268425, MONDO:0008763, OMIM 203800.

Allele frequency attached by ClinVar (database versions not stated): TOPMed below 0.00001.
gnomAD v4.1: 2 of 1,614,132 alleles (0.00012%); no homozygotes.

Submissions (2):

Blueprint Genetics
Classification: Uncertain significance. Last evaluated: 2024-04-12. Review status: criteria provided, single submitter. Criteria: ACMG Guidelines, 2015. Collection method: clinical testing. Allele origin: germline.

Labcorp Genetics (formerly Invitae), Labcorp
Classification: Uncertain significance for Alstrom syndrome. Last evaluated: 2022-04-20. Review status: criteria provided, single submitter. Criteria: Invitae Variant Classification Sherloc (09022015). Collection method: clinical testing. Allele origin: germline.
Comment: This sequence change replaces threonine, which is neutral and polar, with alanine, which is neutral and non-polar, at codon 3138 of the ALMS1 protein (p.Thr3138Ala). This variant is not present in population databases (gnomAD no frequency). This variant has not been reported in the literature in individuals affected with ALMS1-related conditions. In summary, the available evidence is currently insufficient to determine the role of this variant in disease. Therefore, it has been classified as a Variant of Uncertain Significance.

NM_001378454.1(ALMS1):c.9409A>G (p.Thr3137Ala)

Gene: ALMS1 (ALMS1 centrosome and basal body associated protein; plus strand). Cytogenetic location: 2p13.1.
Variant type: single nucleotide variant.
Coding change: c.9409A>G on transcript NM_001378454.1 (MANE Select); coding-DNA position 9409, A replaced by G.
Protein change: p.Thr3137Ala; replaces threonine 3137 with alanine.
Molecular consequence: missense variant.
Genome position (GRCh38, 1-based): chr2:73,491,368, A>G. VCF-style: chr2-73491368-A-G. GRCh37 (hg19) VCF-style: chr2-73718495-A-G.
Other names: c.9412A>G, p.Thr3138Ala (NM_015120.4); short protein forms T3137A, T3138A.
Identifiers: ClinVar variation 2145314 (VCV002145314.2), dbSNP rs1672982397, ClinGen allele CA347274782.